The following is an entry in ClinVar:

NM_001267550.2(TTN):c.18611A>C (p.Glu6204Ala)

Genes: TTN (titin; minus strand), LOC126806430 (BRD4-independent group 4 enhancer GRCh37_chr2:179593794-179594993; plus strand). Cytogenetic location: 2q31.2.
Variant type: single nucleotide variant.
Coding change: c.18611A>C on transcript NM_001267550.2 (MANE Select); coding-DNA position 18611, A replaced by C.
Protein change: p.Glu6204Ala; replaces glutamic acid 6204 with alanine.
Molecular consequence: missense variant. On other transcripts: intron variant (3).
Genome position (GRCh38, 1-based): chr2:178,729,545, T>G on the plus strand (A>C on the coding strand, the complement: TTN is on the minus strand). VCF-style: chr2-178729545-T-G. GRCh37 (hg19) VCF-style: chr2-179594272-T-G.
Other names: c.17660A>C, p.Glu5887Ala (NM_001256850.1); c.14879A>C, p.Glu4960Ala (NM_133378.4); c.13282+8537A>C (NM_003319.4); c.13858+8537A>C (NM_133437.4); c.13657+8537A>C (NM_133432.3); short protein forms E4960A, E6204A, E5887A.
Identifiers: ClinVar variation 192024 (VCV000192024.1), dbSNP rs199603451, ClinGen allele CA238129.

ClinVar aggregate classification (germline): Uncertain significance (1 of 4 stars; one submission).

Allele frequency attached by ClinVar (database versions not stated): TOPMed below 0.00001.

Submission:

Biesecker Lab/Clinical Genomics Section, National Institutes of Health
Classification: Uncertain significance. Last evaluated: 2013-06-24. Review status: criteria provided, single submitter. Criteria: Ng et al. (Circ Cardiovasc Genet. 2013). Collection method: research. Allele origin: unknown. Observed: 1 variant allele. Study: ClinSeq.
Comment: The study set was not selected for affection status in relation to any cancer. Pathogenicity categories were based on literature curation. See Pubmed ID:23861362 for details.

Medical sequencing